The following is an entry in ClinVar:

NM_001374736.1(DST):c.22569+20A>G

Gene: DST (dystonin; minus strand). Cytogenetic location: 6p12.1.
Variant type: single nucleotide variant.
Coding change: c.22569+20A>G on transcript NM_001374736.1 (MANE Select); 20 bases into the intron after coding-DNA position 22569, A replaced by G.
Molecular consequence: intron variant.
Genome position (GRCh38, 1-based): chr6:56,468,962, T>C on the plus strand (A>G on the coding strand, the complement: DST is on the minus strand). VCF-style: chr6-56468962-T-C. GRCh37 (hg19) VCF-style: chr6-56333760-T-C.
Other names: c.16212+20A>G (NM_001144769.5); c.22569+20A>G (NM_001374722.1); c.22596+20A>G (NM_001374734.1); c.15798+20A>G (NM_001144770.2); c.15351+20A>G (NM_001374730.1); c.15660+921A>G (NM_001386100.1); c.15678+20A>G (NM_183380.4); c.21609+20A>G (NM_001374729.1); and 1 more.
Identifiers: ClinVar variation 2105438 (VCV002105438.4), dbSNP rs770004216, ClinGen allele CA3866236.
Genomic context (GRCh38, chr6:56,468,962, plus strand): 5'-CATGGCAAGCTTTAATGACTATGAATTAAAGTTAAAAAAAAATCATCAGGAACTTGAGAA[T>C]ACATTCCACTGGTTTATACCTGATTTCCCAGGAAGAACTGATAAAAATGAAAAATGGAAG-3'

ClinVar aggregate classification (germline): Uncertain significance (1 of 4 stars; one submission).

Conditions:
Hereditary sensory and autonomic neuropathy type 6. Also called: HSAN VI; Neuropathy, hereditary sensory and autonomic, type VI. Identifiers: Orphanet 314381, MedGen C3539003, MONDO:0013839, OMIM 614653.
Epidermolysis bullosa simplex 3, localized or generalized intermediate, with BP230 deficiency (EBS3). Also called: Epidermolysis bullosa simplex due to BP230 deficiency; Epidermolysis bullosa simplex, autosomal recessive 2. Identifiers: Orphanet 412181, MedGen C3809470, MONDO:0014180, OMIM 615425.

Allele frequency attached by ClinVar (database versions not stated): gnomAD exomes below 0.00001; ExAC 0.00003.
gnomAD v4.1: 5 of 1,566,896 alleles (0.00032%); highest among the groups gnomAD compares: Non-Finnish European, 0.00043%; no homozygotes.

Submission:

Labcorp Genetics (formerly Invitae), Labcorp
Classification: Uncertain significance for Epidermolysis bullosa simplex 3, localized or generalized intermediate, with BP230 deficiency; Hereditary sensory and autonomic neuropathy type 6. Last evaluated: 2022-06-11. Review status: criteria provided, single submitter. Criteria: Invitae Variant Classification Sherloc (09022015). Collection method: clinical testing. Allele origin: germline.
Comment: In summary, the available evidence is currently insufficient to determine the role of this variant in disease. Therefore, it has been classified as a Variant of Uncertain Significance. Experimental studies and prediction algorithms are not available or were not evaluated, and the effect of this variant on mRNA splicing is currently unknown. This variant has not been reported in the literature in individuals affected with DST-related conditions. The frequency data for this variant in the population databases is considered unreliable, as metrics indicate poor data quality at this position in the gnomAD database. This sequence change falls in intron 79 of the DST gene. It does not directly change the encoded amino acid sequence of the DST protein. The DST gene has multiple clinically relevant transcripts. This variant occurs in alternate transcript NM_015548.4, and corresponds to NM_001723.5:c.*146555A>G in the primary transcript.